The following is an entry in ClinVar:

ClinVar aggregate classification (germline): Uncertain significance (1 of 4 stars; one submission).

gnomAD v4.1: 16 of 1,612,018 alleles (0.00099%); highest among the groups gnomAD compares: Non-Finnish European, 0.00093%; no homozygotes.

Submission:

GeneDx
Classification: Uncertain significance. Last evaluated: 2023-12-29. Review status: criteria provided, single submitter. Criteria: GeneDx Variant Classification Process June 2021. Collection method: clinical testing. Allele origin: germline. Affected: yes.
Comment: Not observed at significant frequency in large population cohorts (gnomAD); In silico analysis supports that this missense variant has a deleterious effect on protein structure/function; Has not been previously published as pathogenic or benign to our knowledge

NM_020117.11(LARS1):c.1129A>G (p.Met377Val)

Gene: LARS1 (leucyl-tRNA synthetase 1; minus strand). Cytogenetic location: 5q32.
Variant type: single nucleotide variant.
Coding change: c.1129A>G on transcript NM_020117.11 (MANE Select); coding-DNA position 1129, A replaced by G.
Protein change: p.Met377Val; replaces methionine 377 with valine.
Molecular consequence: missense variant.
Genome position (GRCh38, 1-based): chr5:146,153,917, T>C on the plus strand (A>G on the coding strand, the complement: LARS1 is on the minus strand). VCF-style: chr5-146153917-T-C. GRCh37 (hg19) VCF-style: chr5-145533480-T-C.
Other names: c.991A>G, p.Met331Val (NM_001317964.2); c.967A>G, p.Met323Val (NM_001317965.2); c.1048A>G, p.Met350Val (NM_016460.4); short protein forms M323V, M331V, M350V, M377V.
Identifiers: ClinVar variation 3367250 (VCV003367250.1).
Genomic context (GRCh38, chr5:146,153,917, plus strand): 5'-TATCAAAATATTTCTAGAAATAAATAAACTCTTTACCTTTATCCTCCTTAATAGTTAGCA[T>C]TGGGAGAACATAGATCACCTTGTATGATGTTAAAGGTGCAGAAAGTGATGCACCAAGAAT-3'
Protein context (NP_064502.9, residues 367-387): TSYKVIYVLP[Met377Val]LTIKEDKGTG